The following is an entry in ClinVar:

ClinVar aggregate classification (germline): Uncertain significance (1 of 4 stars; one submission).

Conditions:
Acyl-CoA oxidase deficiency. Also called: STRAIGHT-CHAIN ACYL-CoA OXIDASE DEFICIENCY; Pseudoneonatal adrenoleukodystrophy; Peroxisomal acyl-CoA oxidase deficiency. Identifiers: Orphanet 2971, MedGen C1849678, MONDO:0009919, OMIM 264470. Disease mechanism: loss of function.

gnomAD v4.1: 1 of 1,611,950 alleles (0.000062%); highest among the groups gnomAD compares: Admixed American, 0.0017%; no homozygotes.

Submission:

Labcorp Genetics (formerly Invitae), Labcorp
Classification: Uncertain significance for Acyl-CoA oxidase deficiency. Last evaluated: 2022-04-24. Review status: criteria provided, single submitter. Criteria: Invitae Variant Classification Sherloc (09022015). Collection method: clinical testing. Allele origin: germline.
Comment: This sequence change falls in intron 5 of the ACOX1 gene. It does not directly change the encoded amino acid sequence of the ACOX1 protein. This variant is not present in population databases (gnomAD no frequency). This variant has not been reported in the literature in individuals affected with ACOX1-related conditions. Algorithms developed to predict the effect of sequence changes on RNA splicing suggest that this variant may disrupt the consensus splice site. In summary, the available evidence is currently insufficient to determine the role of this variant in disease. Therefore, it has been classified as a Variant of Uncertain Significance.

NM_004035.7(ACOX1):c.659-19G>T

Gene: ACOX1 (acyl-CoA oxidase 1; minus strand). Cytogenetic location: 17q25.1.
Variant type: single nucleotide variant.
Coding change: c.659-19G>T on transcript NM_004035.7 (MANE Select); 19 bases into the intron before coding-DNA position 659, G replaced by T.
Molecular consequence: intron variant.
Genome position (GRCh38, 1-based): chr17:75,955,700, C>A on the plus strand (G>T on the coding strand, the complement: ACOX1 is on the minus strand). VCF-style: chr17-75955700-C-A. GRCh37 (hg19) VCF-style: chr17-73951781-C-A.
Other names: c.659-19G>T (NM_007292.6); c.545-19G>T (NM_001185039.2).
Identifiers: ClinVar variation 2192179 (VCV002192179.1), dbSNP rs988313096, ClinGen allele CA294110457.